The following is an entry in ClinVar:

NM_004239.4(TRIP11):c.*163C>T

Gene: TRIP11 (thyroid hormone receptor interactor 11; minus strand). Cytogenetic location: 14q32.12.
Variant type: single nucleotide variant.
Coding change: c.*163C>T on transcript NM_004239.4 (MANE Select); 163 bases downstream of the stop codon, C replaced by T.
Molecular consequence: 3 prime UTR variant.
Genome position (GRCh38, 1-based): chr14:91,969,510, G>A on the plus strand (C>T on the coding strand, the complement: TRIP11 is on the minus strand). VCF-style: chr14-91969510-G-A. GRCh37 (hg19) VCF-style: chr14-92435854-G-A.
Other names: c.*163C>T (NM_001321851.1).
Identifiers: ClinVar variation 314922 (VCV000314922.7), dbSNP rs142907939, ClinGen allele CA10646582.
Genomic context (GRCh38, chr14:91,969,510, plus strand): 5'-ATTAGGTCAAATCAGAAGGAATAAAGCAGATTATATAGCAAACACTTGCTCCTGACACCT[G>A]CAGTTTCTAAAAGCATTAGGAATATTTTTATTAAATTCAGAGAAAGCATAATTGCGAACA-3'

ClinVar aggregate classification (germline): Benign/Likely benign. Review status: criteria provided, multiple submitters, no conflicts (2 of 4 stars). 2 submissions from 2 submitters: Benign (1); Likely benign (1). Last evaluated 2018-08-14.

Conditions:
Achondrogenesis, type IA (ACG1A). Identifiers: Orphanet 932, Orphanet 93299, MedGen C0265273, MONDO:0008701, OMIM 200600.

Allele frequency attached by ClinVar (database versions not stated): gnomAD exomes 0.00055; 1000 Genomes Project 30x 0.00453; 1000 Genomes Project 0.00459; gnomAD 0.00519 and 0.00562; TOPMed 0.00552.

Submissions (2):

GeneDx
Classification: Likely benign. Last evaluated: 2018-08-14. Review status: criteria provided, single submitter. Criteria: GeneDx Variant Classification Process June 2021. Collection method: clinical testing. Allele origin: germline. Affected: yes.

Illumina Laboratory Services, Illumina
Classification: Benign for Achondrogenesis, type IA. Last evaluated: 2018-01-12. Review status: criteria provided, single submitter. Criteria: ICSL Variant Classification Criteria 13 December 2019. Collection method: clinical testing. Allele origin: germline.
Comment: This variant was observed in the ICSL laboratory as part of a predisposition screen in an ostensibly healthy population. It had not been previously curated by ICSL or reported in the Human Gene Mutation Database (HGMD: prior to June 1st, 2018), and was therefore a candidate for classification through an automated scoring system. Utilizing variant allele frequency, disease prevalence and penetrance estimates, and inheritance mode, an automated score was calculated to assess if this variant is too frequent to cause the disease. Based on the score and internal cut-off values, a variant classified as benign is not then subjected to further curation. The score for this variant resulted in a classification of benign for this disease.